The following continues an entry in ClinVar:

NM_024675.4(PALB2):c.3054G>C (p.Glu1018Asp)

Gene: PALB2. ClinVar aggregate classification (germline): Benign. Benign (1).

Submissions 16 to 21 of 21:

Illumina Laboratory Services, Illumina
Classification: Likely benign for Fanconi anemia complementation group N. Last evaluated: 2017-04-27. Review status: criteria provided, single submitter. Criteria: ICSL Variant Classification Criteria 13 December 2019. Collection method: clinical testing. Allele origin: germline. Not counted in ClinVar's aggregate classification.
Comment: This variant was observed as part of a predisposition screen in an ostensibly healthy population. A literature search was performed for the gene, cDNA change, and amino acid change (where applicable). No publications were found based on this search. Allele frequency data from public databases allowed determination this variant is unlikely to cause disease. Therefore, this variant is classified as likely benign.

Color Diagnostics, LLC DBA Color Health
Classification: Benign for Hereditary cancer-predisposing syndrome. Last evaluated: 2016-04-19. Review status: criteria provided, single submitter. Criteria: ACMG Guidelines, 2015. Collection method: clinical testing. Allele origin: germline. Not counted in ClinVar's aggregate classification.

Cancer Genetics Laboratory, Peter MacCallum Cancer Centre
Classification: Uncertain significance for Familial cancer of breast. Last evaluated: 2015-06-01. Review status: criteria provided, single submitter. Criteria: Thompson et al. (Breast Cancer Res. 2015). Collection method: case-control. Allele origin: germline. Affected: yes and no. Observed: 2 variant alleles, 2 heterozygotes. Not counted in ClinVar's aggregate classification.

PreventionGenetics, part of Exact Sciences
Classification: Likely benign for PALB2-related condition. Last evaluated: 2023-05-31. Review status: no assertion criteria provided. Collection method: clinical testing. Allele origin: germline. Not counted in ClinVar's aggregate classification.
Comment: This variant is classified as likely benign based on ACMG/AMP sequence variant interpretation guidelines (Richards et al. 2015 PMID: 25741868, with internal and published modifications).

Leiden Open Variation Database
Classification: Likely benign for Familial cancer of breast. Last evaluated: 2019-05-13. Review status: no assertion criteria provided. Collection method: curation. Allele origin: germline. Affected: no. Not counted in ClinVar's aggregate classification.
Comment: Curators: Marc Tischkowitz, Arleen D. Auerbach. Submitters to LOVD: Marc Tischkowitz, Yukihide Momozawa.

Department of Pathology and Laboratory Medicine, Sinai Health System
Classification: Uncertain significance for Malignant tumor of breast. Review status: no assertion criteria provided. Collection method: clinical testing. Allele origin: unknown. Affected: yes. Study: The Canadian Open Genetics Repository (COGR). Not counted in ClinVar's aggregate classification.
Comment: The PALB2 p.Glu1018Asp variant was identified in 6 of 3322 proband chromosomes (frequency: 0.002) from individuals or families with breast or ovarian cancer (Kim 2016, Li 2015, Nakagomi 2016, Phuah 2013, Thompson 2015). The variant was also identified in the following databases: dbSNP (ID: rs183489969) as With Likely benign, Uncertain significance, other allele, ClinVar (classified as uncertain significance by Ambry Genetics, GeneDx, CGLPMCC; classified as likely benign by Illumina; classified as Benign by Invitae), Clinvitae (conflicting interpretations of pathogenicity), Cosmic (none (score 0.69)), MutDB , LOVD 3.0, Zhejiang Colon Cancer Database, databases. The variant was identified in control databases in 102 of 277208 chromosomes at a frequency of 0.000368 in the following populations: other in 3 of 6464 chromosomes (freq. 0.00046), European in 1 of 126704 chromosomes (freq. 0.000008), East Asian in 98 of 18868 chromosomes (freq. 0.005), increasing the likelihood that this may be a low frequency variant in certain populations of origin (Genome Aggregation Consortium Feb 27, 2017). The p.Glu1018 residue is conserved in mammals and computational analyses (PolyPhen-2, SIFT, AlignGVGD, BLOSUM, MutationTaster) provide inconsistent predictions regarding the impact to the protein; this information is not very predictive of pathogenicity. The variant occurs outside of the splicing consensus sequence and 3 of 5 in silico or computational prediction software programs (SpliceSiteFinder, MaxEntScan, NNSPLICE, GeneSplicer, HumanSpliceFinder) predict a greater than 10% difference in splicing. However, this information is not predictive enough to assume pathogenicity. The variant is located with the WD40-repeat-containing domain. The variant p.Glu1018Asp was listed as a rare missense variant in a study of 155 Japanese patients with breast and/or ovarian cancers; in this family, the family history of 25 relatives was available but none were reported with breast and/or ovarian cancer (Nakagomi 2016). In summary, based on the above information, the clinical significance of this variant cannot be determined with certainty at this time. This variant is classified as a variant of uncertain significance.

Literature cited by the submitters: PubMed 25085752 (cited by Myriad Genetics, Inc.); PubMed 27783279 (cited by Quest Diagnostics Nichols Institute San Juan Capistrano and Ambry Genetics); PubMed 28825143 (cited by Quest Diagnostics Nichols Institute San Juan Capistrano); PubMed 33471991 (cited by Quest Diagnostics Nichols Institute San Juan Capistrano); PubMed 31159747 (cited by Quest Diagnostics Nichols Institute San Juan Capistrano); PubMed 22241545 (cited by 4 submitters); PubMed 23977390 (cited by 4 submitters); PubMed 21285249 (cited by 3 submitters); PubMed 27616075 (cited by 3 submitters); PubMed 26489409 (cited by Quest Diagnostics Nichols Institute San Juan Capistrano); PubMed 26411315 (cited by Quest Diagnostics Nichols Institute San Juan Capistrano and Ambry Genetics); PubMed 25575445 (cited by Quest Diagnostics Nichols Institute San Juan Capistrano and Ambry Genetics); PubMed 28580595 (cited by Quest Diagnostics Nichols Institute San Juan Capistrano and Ambry Genetics); PubMed 30287823 (cited by Quest Diagnostics Nichols Institute San Juan Capistrano and Leiden Open Variation Database); PubMed 26692951 (cited by Quest Diagnostics Nichols Institute San Juan Capistrano); PubMed 28664506 (cited by Quest Diagnostics Nichols Institute San Juan Capistrano); PubMed 26283626 (cited by 4 submitters); PubMed 31757951 (cited by Quest Diagnostics Nichols Institute San Juan Capistrano and Ambry Genetics); PubMed 32531196 (cited by Quest Diagnostics Nichols Institute San Juan Capistrano).